The following is an entry in ClinVar:

ClinVar aggregate classification (germline): Uncertain significance. Review status: criteria provided, multiple submitters, no conflicts (2 of 4 stars). 2 submissions from 2 submitters: Uncertain significance (2). Last evaluated 2025-11-13.

Conditions:
Inborn genetic diseases. Identifiers: MedGen C0950123, MeSH D030342.
Myopathy, proximal, and ophthalmoplegia (CMYO6). Also called: MYOPATHY WITH CONGENITAL JOINT CONTRACTURES, OPHTHALMOPLEGIA, AND RIMMED VACUOLES; CONGENITAL MYOPATHY 6 WITH OPHTHALMOPLEGIA; INCLUSION BODY MYOPATHY 3, AUTOSOMAL DOMINANT. Identifiers: Orphanet 363677, Orphanet 79091, MedGen C1854106, MONDO:0011577, OMIM 605637.

Allele frequency attached by ClinVar (database versions not stated): ExAC 0.00001; TOPMed 0.00001; gnomAD 0.00003.
gnomAD v4.1: 17 of 1,614,104 alleles (0.0011%); highest among the groups gnomAD compares: Admixed American, 0.0033%; 1 homozygote.

Submissions (2):

Ambry Genetics
Classification: Uncertain significance for Inborn genetic diseases. Last evaluated: 2025-11-13. Review status: criteria provided, single submitter. Criteria: Ambry Variant Classification Scheme 2023. Collection method: clinical testing. Allele origin: germline.

Labcorp Genetics (formerly Invitae), Labcorp
Classification: Uncertain significance for Myopathy, proximal, and ophthalmoplegia. Last evaluated: 2024-05-20. Review status: criteria provided, single submitter. Criteria: Invitae Variant Classification Sherloc (09022015). Collection method: clinical testing. Allele origin: germline.
Comment: This sequence change replaces arginine, which is basic and polar, with tryptophan, which is neutral and slightly polar, at codon 1132 of the MYH2 protein (p.Arg1132Trp). This variant is present in population databases (rs745807547, gnomAD 0.004%). This variant has not been reported in the literature in individuals affected with MYH2-related conditions. ClinVar contains an entry for this variant (Variation ID: 1921621). Advanced modeling of protein sequence and biophysical properties (such as structural, functional, and spatial information, amino acid conservation, physicochemical variation, residue mobility, and thermodynamic stability) performed at Invitae indicates that this missense variant is expected to disrupt MYH2 protein function with a positive predictive value of 80%. In summary, the available evidence is currently insufficient to determine the role of this variant in disease. Therefore, it has been classified as a Variant of Uncertain Significance.

NM_017534.6(MYH2):c.3394C>T (p.Arg1132Trp)

Genes: MYHAS (myosin heavy chain gene cluster antisense RNA; plus strand), MYH2 (myosin heavy chain 2; minus strand). Cytogenetic location: 17p13.1.
Variant type: single nucleotide variant.
Coding change: c.3394C>T on transcript NM_017534.6 (MANE Select); coding-DNA position 3394, C replaced by T.
Protein change: p.Arg1132Trp; replaces arginine 1132 with tryptophan.
Molecular consequence: missense variant.
Genome position (GRCh38, 1-based): chr17:10,529,040, G>A on the plus strand (C>T on the coding strand, the complement: MYH2 is on the minus strand). VCF-style: chr17-10529040-G-A. GRCh37 (hg19) VCF-style: chr17-10432357-G-A.
Other names: c.3394C>T (NM_017534.5); c.3394C>T, p.Arg1132Trp (NM_001100112.2); short protein forms R1132W.
Identifiers: ClinVar variation 1921621 (VCV001921621.6), dbSNP rs745807547, ClinGen allele CA8390906.
Genomic context (GRCh38, chr17:10,529,040, plus strand): 5'-TCTCCTCCAGCTCCCGGGAGAGGTCAGAGCGCTGCTTCTCTGCTTTGGCCCGGGAGGCCC[G>A]CTCTGCCTCGATTTCCTCCTCCAGCTCCTCAATGCGGGCCTGGGAATGGTGGAAAATACA-3'
Protein context (NP_060004.3, residues 1122-1142): EELEEEIEAE[Arg1132Trp]ASRAKAEKQR